The following is an entry in ClinVar:

ClinVar aggregate classification (germline): Uncertain significance (1 of 4 stars; one submission).

Conditions:
Malignant hyperthermia, susceptibility to, 1 (MHS1). Also called: RYR1-Related Malignant Hyperthermia Susceptibility; Malignant hyperthermia suceptibility 1; Anesthesia related hyperthermia; Malignant hyperpyrexia; Fulminating hyperpyrexia; Pharmacogenic myopathy. Identifiers: Orphanet 423, MedGen C2930980, MONDO:0007783, OMIM 145600.

gnomAD v4.1: 3 of 1,614,192 alleles (0.00019%); highest among the groups gnomAD compares: Non-Finnish European, 0.00025%; no homozygotes.

Submission:

Color Diagnostics, LLC DBA Color Health
Classification: Uncertain significance for Malignant hyperthermia, susceptibility to, 1. Last evaluated: 2025-06-09. Review status: criteria provided, single submitter. Criteria: ACMG Guidelines, 2015. Collection method: clinical testing. Allele origin: germline.
Comment: This variant is located in the RYR1 protein. To our knowledge, functional studies have not been reported for this variant. This variant has not been reported in individuals affected with RYR1-related disorders in the literature. This variant has not been identified in the general population by the Genome Aggregation Database (gnomAD). The available evidence is insufficient to determine the role of this variant in disease conclusively. Therefore, this variant is classified as a Variant of Uncertain Significance.

NM_000540.3(RYR1):c.9951G>T (p.Gly3317=)

Gene: RYR1 (ryanodine receptor 1; plus strand). Cytogenetic location: 19q13.2.
Variant type: single nucleotide variant.
Coding change: c.9951G>T on transcript NM_000540.3 (MANE Select); coding-DNA position 9951, G replaced by T.
Protein change: p.Gly3317=; no amino-acid change (glycine 3317 retained).
Molecular consequence: synonymous variant.
Genome position (GRCh38, 1-based): chr19:38,517,624, G>T. VCF-style: chr19-38517624-G-T. GRCh37 (hg19) VCF-style: chr19-39008264-G-T.
Other names: c.9951G>T, p.Gly3317= (NM_001042723.2).
Identifiers: ClinVar variation 4758770 (VCV004758770.1).